The following is an entry in ClinVar:

Conditions:
Breast-ovarian cancer, familial, susceptibility to, 1 (BROVCA1). Also called: BRCA1 Hereditary Breast and Ovarian Cancer; OVARIAN CANCER, SUSCEPTIBILITY TO. Identifiers: Orphanet 145, MedGen C2676676, MONDO:0011450, OMIM 604370. Disease mechanism: loss of function.

Submission:

Brotman Baty Institute, University of Washington
No classification provided (evidence only). Condition: Breast-ovarian cancer, familial 1. Review status: no classification provided. Collection method: in vitro. Allele origin: not applicable. Functional consequence: functionally_normal.
ClinVar note: "not provided" was previously submitted as the classification for the variant. However, the classification appeared to be based only on an observation of functional data so it was converted to no classification on 2025-07-30.

NM_007294.4(BRCA1):c.24T>A (p.Val8=)

Gene: BRCA1 (BRCA1 DNA repair associated; minus strand). Cytogenetic location: 17q21.31.
Variant type: single nucleotide variant.
Coding change: c.24T>A on transcript NM_007294.4 (MANE Select); coding-DNA position 24, T replaced by A.
Protein change: p.Val8=; no amino-acid change (valine 8 retained).
Molecular consequence: synonymous variant. On other transcripts: 5 prime UTR variant (136), intron variant (36).
Genome position (GRCh38, 1-based): chr17:43,124,073, A>T on the plus strand (T>A on the coding strand, the complement: BRCA1 is on the minus strand). VCF-style: chr17-43124073-A-T. GRCh37 (hg19) VCF-style: chr17-41276090-A-T.
Other names: c.-237T>A (NM_001407850.1, NM_001407921.1, NM_001407923.1 and 22 more transcripts); c.-64T>A (NM_001407852.1, NM_001407924.1, NM_001407925.1 and 23 more transcripts); c.-165T>A (NM_001407853.1, NM_001407879.1, NM_001407882.1 and 46 more transcripts); c.24T>A, p.Val8= (NM_001407854.1, NM_001407858.1, NM_001407859.1 and 193 more transcripts); c.-111T>A (NM_001407881.1, NM_001407898.1, NM_001407902.1); c.-281T>A (NM_001407889.1, NM_001408492.1); c.-284T>A (NM_001407917.1, NM_001407954.1, NM_001408513.1); c.-263T>A (NM_001407920.1, NM_001407697.1, NM_001407846.1); and 23 more.
Identifiers: ClinVar variation 867695 (VCV000867695.3), dbSNP rs2055739304, ClinGen allele CA500131481.
Genomic context (GRCh38, chr17:43,124,073, plus strand): 5'-TTACCAGATGGGACACTCTAAGATTTTCTGCATAGCATTAATGACATTTTGTACTTCTTC[A>T]ACGCGAAGAGCAGATAAATCCATTTCTTTCTGTTCCAATGAACTTTAACACATTAGAAAA-3'
Protein context (NP_009225.1, residues 1-18): MDLSALR[Val8=]EEVQNVINAM